The following is an entry in ClinVar:

NM_001458.5(FLNC):c.3080G>T (p.Arg1027Leu)

Gene: FLNC (filamin C; plus strand). Cytogenetic location: 7q32.1.
Variant type: single nucleotide variant.
Coding change: c.3080G>T on transcript NM_001458.5 (MANE Select); coding-DNA position 3080, G replaced by T.
Protein change: p.Arg1027Leu; replaces arginine 1027 with leucine.
Molecular consequence: missense variant.
Genome position (GRCh38, 1-based): chr7:128,844,154, G>T. VCF-style: chr7-128844154-G-T. GRCh37 (hg19) VCF-style: chr7-128484208-G-T.
Other names: c.3080G>T, p.Arg1027Leu (NM_001127487.2); short protein forms R1027L.
Identifiers: ClinVar variation 4025630 (VCV004025630.2).
Genomic context (GRCh38, chr7:128,844,154, plus strand): 5'-CTCGCCGGCCCATCCCCTGCAAGCTGGAGCCAGGCGGTGGAGCGGAAGCCCAGGCTGTGC[G>T]CTACATGCCCCCGGAGGAGGGGCCCTACAAGGTGGATATCACCTACGATGGTCACCCGGT-3'
Protein context (NP_001449.3, residues 1017-1037): PGGGAEAQAV[Arg1027Leu]YMPPEEGPYK

ClinVar aggregate classification (germline): Uncertain significance. Review status: criteria provided, multiple submitters, no conflicts (2 of 4 stars). 2 submissions from 2 submitters: Uncertain significance (2). Last evaluated 2026-01-16.

Conditions:
Cardiovascular phenotype. Identifiers: MedGen CN230736.
Distal myopathy with posterior leg and anterior hand involvement. Also called: WILLIAMS DISTAL MYOPATHY. Identifiers: Orphanet 63273, MedGen C3279722, MONDO:0013550, OMIM 614065.
Hypertrophic cardiomyopathy 26. Also called: Cardiomyopathy, familial hypertrophic, 26. Identifiers: Orphanet 75249, MedGen C4310749, MONDO:0014883, OMIM 617047.
Myofibrillar myopathy 5. Also called: FILAMINOPATHY, AUTOSOMAL DOMINANT; Filaminopathy (type). Identifiers: Orphanet 171445, MedGen C1836050, MONDO:0012289, OMIM 609524.

Submissions (2):

Labcorp Genetics (formerly Invitae), Labcorp
Classification: Uncertain significance for Distal myopathy with posterior leg and anterior hand involvement; Myofibrillar myopathy 5; Hypertrophic cardiomyopathy 26. Last evaluated: 2026-01-16. Review status: criteria provided, single submitter. Criteria: Invitae Variant Classification Sherloc (09022015). Collection method: clinical testing. Allele origin: germline.
Comment: This sequence change replaces arginine, which is basic and polar, with leucine, which is neutral and non-polar, at codon 1027 of the FLNC protein (p.Arg1027Leu). This variant is not present in population databases (gnomAD no frequency). This variant has not been reported in the literature in individuals affected with FLNC-related conditions. ClinVar contains an entry for this variant (Variation ID: 4025630). Invitae Evidence Modeling of protein sequence and biophysical properties (such as structural, functional, and spatial information, amino acid conservation, physicochemical variation, residue mobility, and thermodynamic stability) has been performed for this missense variant. However, the output from this modeling did not meet the statistical confidence thresholds required to predict the impact of this variant on FLNC protein function. In summary, the available evidence is currently insufficient to determine the role of this variant in disease. Therefore, it has been classified as a Variant of Uncertain Significance.

Ambry Genetics
Classification: Uncertain significance for Cardiovascular phenotype. Last evaluated: 2025-05-17. Review status: criteria provided, single submitter. Criteria: Ambry Variant Classification Scheme 2023. Collection method: clinical testing. Allele origin: germline.
Comment: The p.R1027L variant (also known as c.3080G>T), located in coding exon 20 of the FLNC gene, results from a G to T substitution at nucleotide position 3080. The arginine at codon 1027 is replaced by leucine, an amino acid with dissimilar properties. This amino acid position is conserved. In addition, the in silico prediction for this alteration is inconclusive. Based on the available evidence, the clinical significance of this variant remains unclear.